The following is an entry in ClinVar:

ClinVar aggregate classification (germline): Conflicting classifications of pathogenicity. Review status: criteria provided, conflicting classifications (1 of 4 stars). 5 submissions from 5 submitters: Uncertain significance (2); Likely benign (1). 2 of the submissions do not count toward it. Last evaluated 2025-11-08.

Conditions:
Inborn genetic diseases. Identifiers: MedGen C0950123, MeSH D030342.
Nemaline myopathy 2 (NEM2). Also called: Nemaline myopathy 2, autosomal recessive. Identifiers: MedGen C1850569, MONDO:0009725, OMIM 256030.
NEB-related disorder. Also called: NEB-related condition; NEB-Related Disorders.

Allele frequency attached by ClinVar (database versions not stated): gnomAD exomes 0.00005; ExAC 0.00007; ESP Exome Variant Server 0.00017; 1000 Genomes Project 0.00020; 1000 Genomes Project 30x 0.00031.
gnomAD v4.1: 48 of 1,594,412 alleles (0.003%); highest among the groups gnomAD compares: South Asian, 0.013%; no homozygotes.

Submissions (5):

Labcorp Genetics (formerly Invitae), Labcorp
Classification: Likely benign for Nemaline myopathy 2. Last evaluated: 2025-11-08. Review status: criteria provided, single submitter. Criteria: Invitae Variant Classification Sherloc (09022015). Collection method: clinical testing. Allele origin: germline.

Revvity Omics, Revvity
Classification: Uncertain significance. Last evaluated: 2024-10-03. Review status: criteria provided, single submitter. Criteria: ACMG Guidelines, 2015. Collection method: clinical testing. Allele origin: germline.

Ambry Genetics
Classification: Uncertain significance for Inborn genetic diseases. Last evaluated: 2024-02-02. Review status: criteria provided, single submitter. Criteria: Ambry Variant Classification Scheme 2023. Collection method: clinical testing. Allele origin: germline.

PreventionGenetics, part of Exact Sciences
Classification: Uncertain significance for NEB-related condition. Last evaluated: 2024-04-09. Review status: no assertion criteria provided. Collection method: clinical testing. Allele origin: germline. Not counted in ClinVar's aggregate classification.
Comment: The NEB c.17024G>A variant is predicted to result in the amino acid substitution p.Arg5675His. To our knowledge, this variant has not been reported in the literature. This variant is reported in 0.011% of alleles in individuals of South Asian descent in gnomAD. At this time, the clinical significance of this variant is uncertain due to the absence of conclusive functional and genetic evidence.

Natera, Inc.
Classification: Uncertain significance for Nemaline myopathy type 2. Last evaluated: 2020-02-13. Review status: no assertion criteria provided. Collection method: clinical testing. Allele origin: germline. Not counted in ClinVar's aggregate classification.

NM_001164508.2(NEB):c.17024G>A (p.Arg5675His)

Gene: NEB (nebulin; minus strand). Cytogenetic location: 2q23.3.
Variant type: single nucleotide variant.
Coding change: c.17024G>A on transcript NM_001164508.2 (MANE Select); coding-DNA position 17024, G replaced by A.
Protein change: p.Arg5675His; replaces arginine 5675 with histidine.
Molecular consequence: missense variant.
Genome position (GRCh38, 1-based): chr2:151,570,591, C>T on the plus strand (G>A on the coding strand, the complement: NEB is on the minus strand). VCF-style: chr2-151570591-C-T. GRCh37 (hg19) VCF-style: chr2-152427105-C-T.
Other names: c.17024G>A, p.Arg5675His (NM_001164507.2, NM_001271208.2); c.11921G>A, p.Arg3974His (NM_004543.5); c.11921G>A (NM_004543.4); c.17024G>A (NM_001271208.1); short protein forms R3974H, R5675H.
Identifiers: ClinVar variation 1064124 (VCV001064124.14), dbSNP rs373850451, ClinGen allele CA1908315.
Genomic context (GRCh38, chr2:151,570,591, plus strand): 5'-TGGATGGGGATGGCATCCAGCCGGACATCACAGCCCGCCTTCATTTCATCCCAGCCCTCA[C>T]GGTAAAGTTTCTGAAAAGGAGAAAAATAAGGTATCATCCTAGATTCAAATTTGCCAATAC-3'
Protein context (NP_001157980.2, residues 5665-5685): NALNVSNKLY[Arg5675His]EGWDEMKAGC